The following is an entry in ClinVar:

ClinVar aggregate classification (germline): Uncertain significance (1 of 4 stars; one submission).

Conditions:
Familial sleep-related hypermotor epilepsy. Also called: Autosomal Dominant Sleep-Related Hypermotor (Hyperkinetic) Epilepsy. Identifiers: Orphanet 98784, MedGen C3696898, MONDO:0000030.

Allele frequency attached by ClinVar (database versions not stated): gnomAD exomes below 0.00001.
gnomAD v4.1: 2 of 1,614,090 alleles (0.00012%); highest among the groups gnomAD compares: South Asian, 0.0011%; no homozygotes.

Submission:

Labcorp Genetics (formerly Invitae), Labcorp
Classification: Uncertain significance. Last evaluated: 2023-08-17. Review status: criteria provided, single submitter. Criteria: Invitae Variant Classification Sherloc (09022015). Collection method: clinical testing. Allele origin: germline.
Comment: In summary, the available evidence is currently insufficient to determine the role of this variant in disease. Therefore, it has been classified as a Variant of Uncertain Significance. Algorithms developed to predict the effect of sequence changes on RNA splicing suggest that this variant may disrupt the consensus splice site. Advanced modeling of protein sequence and biophysical properties (such as structural, functional, and spatial information, amino acid conservation, physicochemical variation, residue mobility, and thermodynamic stability) performed at Invitae indicates that this missense variant is not expected to disrupt CHRNB2 protein function. ClinVar contains an entry for this variant (Variation ID: 2101033). This variant has not been reported in the literature in individuals affected with CHRNB2-related conditions. This variant is not present in population databases (gnomAD no frequency). This sequence change replaces asparagine, which is neutral and polar, with serine, which is neutral and polar, at codon 134 of the CHRNB2 protein (p.Asn134Ser).

NM_000748.3(CHRNB2):c.401A>G (p.Asn134Ser)

Gene: CHRNB2 (cholinergic receptor nicotinic beta 2 subunit; plus strand). Cytogenetic location: 1q21.3.
Variant type: single nucleotide variant.
Coding change: c.401A>G on transcript NM_000748.3 (MANE Select); coding-DNA position 401, A replaced by G.
Protein change: p.Asn134Ser; replaces asparagine 134 with serine.
Molecular consequence: missense variant.
Genome position (GRCh38, 1-based): chr1:154,571,224, A>G. VCF-style: chr1-154571224-A-G. GRCh37 (hg19) VCF-style: chr1-154543700-A-G.
Other names: short protein forms N134S.
Identifiers: ClinVar variation 2101033 (VCV002101033.4), dbSNP rs2526367774, ClinGen allele CA342629944.